The following is an entry in ClinVar:

ClinVar aggregate classification (germline): Uncertain significance (1 of 4 stars; one submission).

Conditions:
Charcot-Marie-Tooth disease axonal type 2P. Also called: CHARCOT-MARIE-TOOTH NEUROPATHY, TYPE 2P; CHARCOT-MARIE-TOOTH DISEASE, AXONAL, TYPE 2G; CMT 2G; Charcot-Marie-Tooth Neuropathy Type 2G. Identifiers: Orphanet 300319, Orphanet 99941, MedGen C3280797, MONDO:0013753, OMIM 614436.

Submission:

Labcorp Genetics (formerly Invitae), Labcorp
Classification: Uncertain significance for Charcot-Marie-Tooth disease type 2P. Last evaluated: 2019-12-11. Review status: criteria provided, single submitter. Criteria: Invitae Variant Classification Sherloc (09022015). Collection method: clinical testing. Allele origin: germline.
Comment: This variant results in a copy number gain of the genomic region encompassing the full coding sequence of the LRSAM1 gene. The boundaries of this event are unknown as they extend beyond the assayed region for this gene and therefore may encompass additional genes. As the precise location of this event is unknown, it may be in tandem or it may be located elsewhere in the genome. This variant has not been reported in the literature in individuals with LRSAM1-related conditions. In summary, the available evidence is currently insufficient to determine the role of this variant in disease. Therefore, it has been classified as a Variant of Uncertain Significance.

NC_000009.12:g.(?_127454518)_(127502909_?)dup

Gene: LRSAM1 (leucine rich repeat and sterile alpha motif containing 1; plus strand). Cytogenetic location: 9q33.3.
Variant type: Duplication.
Identifiers: ClinVar variation 832410 (VCV000832410.2).